The following is an entry in ClinVar:

ClinVar aggregate classification (germline): Pathogenic (1 of 4 stars; one submission).

Conditions:
Hydrocephalus, nonsyndromic, autosomal recessive 1 (HYC1). Also called: Hydrocephalus, nonsyndromic, autosomal recessive; Congenital hydrocephalus 1. Identifiers: Orphanet 2185, MedGen C3887608, MONDO:0009360, OMIM 236600.

Submission:

Myriad Genetics, Inc.
Classification: Pathogenic for Hydrocephalus, nonsyndromic, autosomal recessive 1. Last evaluated: 2025-06-18. Review status: criteria provided, single submitter. Criteria: Myriad Autosomal Dominant, Autosomal Recessive and X-Linked Classification Criteria (2023). Collection method: clinical testing. Allele origin: unknown.
Comment: NM_001080414.3(CCDC88C):c.1540C>T(Q514*) is expected to be pathogenic in the context of congenital hydrocephalus, CCDC88C-related. This variant is predicted to lead to an abnormal or absent protein product due to the creation of a premature termination codon in CCDC88C, a gene where loss-of-function variants are known to be pathogenic. Please note: this variant was assessed in the context of healthy population screening.

NM_001080414.4(CCDC88C):c.1540C>T (p.Gln514Ter)

Gene: CCDC88C (coiled-coil and HOOK domain protein 88C; minus strand). Cytogenetic location: 14q32.11.
Variant type: single nucleotide variant.
Coding change: c.1540C>T on transcript NM_001080414.4 (MANE Select); coding-DNA position 1540, C replaced by T.
Protein change: p.Gln514Ter; replaces glutamine 514 with a stop codon.
Molecular consequence: nonsense. On other transcripts: non-coding transcript variant (2).
Genome position (GRCh38, 1-based): chr14:91,315,775, G>A on the plus strand (C>T on the coding strand, the complement: CCDC88C is on the minus strand). VCF-style: chr14-91315775-G-A. GRCh37 (hg19) VCF-style: chr14-91782119-G-A.
Other names: short protein forms Q514*.
Identifiers: ClinVar variation 5014612 (VCV005014612.1).